The following is an entry in ClinVar:

NM_003126.4(SPTA1):c.3697G>A (p.Val1233Ile)

Gene: SPTA1 (spectrin alpha, erythrocytic 1; minus strand). Cytogenetic location: 1q23.1.
Variant type: single nucleotide variant.
Coding change: c.3697G>A on transcript NM_003126.4 (MANE Select); coding-DNA position 3697, G replaced by A.
Protein change: p.Val1233Ile; replaces valine 1233 with isoleucine.
Molecular consequence: missense variant.
Genome position (GRCh38, 1-based): chr1:158,648,526, C>T on the plus strand (G>A on the coding strand, the complement: SPTA1 is on the minus strand). VCF-style: chr1-158648526-C-T. GRCh37 (hg19) VCF-style: chr1-158618316-C-T.
Other names: p.Val1233Ile; short protein forms V1233I.
Identifiers: ClinVar variation 292991 (VCV000292991.13), dbSNP rs369125471, ClinGen allele CA1182969.

ClinVar aggregate classification (germline): Conflicting classifications of pathogenicity. Review status: criteria provided, conflicting classifications (1 of 4 stars). 7 submissions from 5 submitters: Uncertain significance (6); Likely benign (1). Last evaluated 2024-12-17.

Conditions:
Pyropoikilocytosis, hereditary. Also called: Pyropoikilocytosis. Identifiers: MedGen C0520739, MONDO:0009948, OMIM 266140, HP:0004839. Disease mechanism: loss of function.
Hereditary spherocytosis type 3. Also called: Spherocytosis type 3; SPTA1-Related Spherocytosis. Identifiers: Orphanet 822, MedGen C2678338, MONDO:0010053, OMIM 270970.
Elliptocytosis 2 (EL2). Also called: ELLIPTOCYTOSIS, RHESUS-UNLINKED TYPE. Identifiers: Orphanet 288, MedGen C1851741, MONDO:0007533, OMIM 130600.

Allele frequency attached by ClinVar (database versions not stated): gnomAD exomes 0.00005 and 0.00012; gnomAD 0.00009; TOPMed 0.00015; ESP Exome Variant Server 0.00017; ExAC 0.00018.

Submissions (7):

Revvity Omics, Revvity
Classification: Uncertain significance. Last evaluated: 2024-12-17. Review status: criteria provided, single submitter. Criteria: ACMG Guidelines, 2015. Collection method: clinical testing. Allele origin: germline.

Labcorp Genetics (formerly Invitae), Labcorp
Classification: Likely benign. Last evaluated: 2024-12-02. Review status: criteria provided, single submitter. Criteria: Invitae Variant Classification Sherloc (09022015). Collection method: clinical testing. Allele origin: germline.

ARUP Laboratories, Molecular Genetics and Genomics, ARUP Laboratories
Classification: Uncertain significance. Last evaluated: 2024-10-17. Review status: criteria provided, single submitter. Criteria: ARUP Molecular Germline Variant Investigation Process 2024. Collection method: clinical testing. Allele origin: germline.
Comment: The SPTA1 c.3697G>A; p.Val1233Ile variant (rs369125471), to our knowledge, is not reported in the medical literature but is reported in ClinVar (Variation ID: 292991). This variant is found in the general population with an overall allele frequency of 0.01% (30/249256 alleles) in the Genome Aggregation Database (v2.1.1). Computational analyses predict that this variant is neutral (REVEL: 0.037). Due to limited information, the clinical significance of this variant is uncertain at this time.

Mayo Clinic Laboratories, Mayo Clinic
Classification: Uncertain significance. Last evaluated: 2024-10-15. Review status: criteria provided, single submitter. Criteria: ACMG Guidelines, 2015. Collection method: clinical testing. Allele origin: germline. Observed: 1 variant allele.
Comment: BP4, PM2_supporting

Illumina Laboratory Services, Illumina
Classification: Uncertain significance for Hereditary spherocytosis type 3. Last evaluated: 2018-01-12. Review status: criteria provided, single submitter. Criteria: ICSL Variant Classification Criteria 13 December 2019. Collection method: clinical testing. Allele origin: germline.

Illumina Laboratory Services, Illumina
Classification: Uncertain significance for Pyropoikilocytosis, hereditary. Last evaluated: 2018-01-12. Review status: criteria provided, single submitter. Criteria: ICSL Variant Classification Criteria 13 December 2019. Collection method: clinical testing. Allele origin: germline.

Illumina Laboratory Services, Illumina
Classification: Uncertain significance for Elliptocytosis 2. Last evaluated: 2018-01-12. Review status: criteria provided, single submitter. Criteria: ICSL Variant Classification Criteria 13 December 2019. Collection method: clinical testing. Allele origin: germline.

Literature cited by the submitters: PubMed 32436265 (cited by Mayo Clinic Laboratories, Mayo Clinic).